The following is an entry in ClinVar:

NM_001142800.2(EYS):c.9161C>T (p.Thr3054Ile)

Genes: EYS (EGF-like photoreceptor maintenance factor; minus strand), PHF3 (PHD finger protein 3; plus strand). Cytogenetic location: 6q12.
Variant type: single nucleotide variant.
Coding change: c.9161C>T on transcript NM_001142800.2 (MANE Select); coding-DNA position 9161, C replaced by T.
Protein change: p.Thr3054Ile; replaces threonine 3054 with isoleucine.
Molecular consequence: missense variant. On other transcripts: 3 prime UTR variant (5).
Genome position (GRCh38, 1-based): chr6:63,720,870, G>A on the plus strand (C>T on the coding strand, the complement: EYS is on the minus strand). VCF-style: chr6-63720870-G-A. GRCh37 (hg19) VCF-style: chr6-64430766-G-A.
Other names: c.*7162G>A (NM_001290259.2, NM_001370348.2, NM_001370349.2 and 2 more transcripts); c.9224C>T, p.Thr3075Ile (NM_001292009.2); short protein forms T3054I, T3075I.
Identifiers: ClinVar variation 1432765 (VCV001432765.4), dbSNP rs2149623955, ClinGen allele CA364383112.

ClinVar aggregate classification (germline): Uncertain significance. Review status: criteria provided, multiple submitters, no conflicts (2 of 4 stars). 2 submissions from 2 submitters: Uncertain significance (2). Last evaluated 2021-11-02.

gnomAD v4.1: 1 of 1,551,046 alleles (0.000064%); highest among the groups gnomAD compares: Non-Finnish European, 0.000087%; no homozygotes.

Submissions (2):

Labcorp Genetics (formerly Invitae), Labcorp
Classification: Uncertain significance. Last evaluated: 2021-11-02. Review status: criteria provided, single submitter. Criteria: Invitae Variant Classification Sherloc (09022015). Collection method: clinical testing. Allele origin: germline.
Comment: This sequence change replaces threonine, which is neutral and polar, with isoleucine, which is neutral and non-polar, at codon 3054 of the EYS protein (p.Thr3054Ile). This variant is not present in population databases (gnomAD no frequency). This variant has not been reported in the literature in individuals affected with EYS-related conditions. Algorithms developed to predict the effect of missense changes on protein structure and function are either unavailable or do not agree on the potential impact of this missense change (SIFT: "Deleterious"; PolyPhen-2: "Probably Damaging"; Align-GVGD: "Class C0"). In summary, the available evidence is currently insufficient to determine the role of this variant in disease. Therefore, it has been classified as a Variant of Uncertain Significance.

Blueprint Genetics
Classification: Uncertain significance. Last evaluated: 2020-12-03. Review status: criteria provided, single submitter. Criteria: ACMG Guidelines, 2015. Collection method: clinical testing. Allele origin: germline.